The following is an entry in ClinVar:

NM_014336.5(AIPL1):c.23A>G (p.Asn8Ser)

Gene: AIPL1 (AIP like 1 HSP90 co-chaperone; minus strand). Cytogenetic location: 17p13.2.
Variant type: single nucleotide variant.
Coding change: c.23A>G on transcript NM_014336.5 (MANE Select); coding-DNA position 23, A replaced by G.
Protein change: p.Asn8Ser; replaces asparagine 8 with serine.
Molecular consequence: missense variant. On other transcripts: 5 prime UTR variant (1).
Genome position (GRCh38, 1-based): chr17:6,435,082, T>C on the plus strand (A>G on the coding strand, the complement: AIPL1 is on the minus strand). VCF-style: chr17-6435082-T-C. GRCh37 (hg19) VCF-style: chr17-6338402-T-C.
Other names: c.23A>G, p.Asn8Ser (NM_001033054.3, NM_001033055.3, NM_001285399.3 and 3 more transcripts); c.-153A>G (NM_001285402.2); short protein forms N8S.
Identifiers: ClinVar variation 2148612 (VCV002148612.4), dbSNP rs1913053614, ClinGen allele CA397397887.

ClinVar aggregate classification (germline): Uncertain significance (1 of 4 stars; one submission).

Conditions:
Leber congenital amaurosis 4 (LCA4). Identifiers: MedGen C1858386, MONDO:0011458, OMIM 604393.

Allele frequency attached by ClinVar (database versions not stated): gnomAD exomes below 0.00001; gnomAD 0.00001; TOPMed 0.00001.
gnomAD v4.1: 2 of 1,614,000 alleles (0.00012%); highest among the groups gnomAD compares: African/African-American, 0.0027%; no homozygotes.

Submission:

Labcorp Genetics (formerly Invitae), Labcorp
Classification: Uncertain significance for Leber congenital amaurosis 4. Last evaluated: 2023-11-27. Review status: criteria provided, single submitter. Criteria: Invitae Variant Classification Sherloc (09022015). Collection method: clinical testing. Allele origin: germline.
Comment: This sequence change replaces asparagine, which is neutral and polar, with serine, which is neutral and polar, at codon 8 of the AIPL1 protein (p.Asn8Ser). This variant is not present in population databases (gnomAD no frequency). This variant has not been reported in the literature in individuals affected with AIPL1-related conditions. ClinVar contains an entry for this variant (Variation ID: 2148612). Advanced modeling of protein sequence and biophysical properties (such as structural, functional, and spatial information, amino acid conservation, physicochemical variation, residue mobility, and thermodynamic stability) performed at Invitae indicates that this missense variant is not expected to disrupt AIPL1 protein function with a negative predictive value of 80%. In summary, the available evidence is currently insufficient to determine the role of this variant in disease. Therefore, it has been classified as a Variant of Uncertain Significance.